The following is an entry in ClinVar:

NM_001197104.2(KMT2A):c.9386G>C (p.Gly3129Ala)

Gene: KMT2A (lysine methyltransferase 2A; plus strand). Cytogenetic location: 11q23.3.
Variant type: single nucleotide variant.
Coding change: c.9386G>C on transcript NM_001197104.2 (MANE Select); coding-DNA position 9386, G replaced by C.
Protein change: p.Gly3129Ala; replaces glycine 3129 with alanine.
Molecular consequence: missense variant.
Genome position (GRCh38, 1-based): chr11:118,505,278, G>C. VCF-style: chr11-118505278-G-C. GRCh37 (hg19) VCF-style: chr11-118375993-G-C.
Other names: c.9377G>C, p.Gly3126Ala (NM_005933.4); short protein forms G3126A, G3129A.
Identifiers: ClinVar variation 1309468 (VCV001309468.3), dbSNP rs2134404929, ClinGen allele CA382820249.

ClinVar aggregate classification (germline): Uncertain significance (1 of 4 stars; one submission).

Submission:

GeneDx
Classification: Uncertain significance. Last evaluated: 2024-09-23. Review status: criteria provided, single submitter. Criteria: GeneDx Variant Classification Process June 2021. Collection method: clinical testing. Allele origin: germline. Affected: yes.
Comment: Not observed at significant frequency in large population cohorts (gnomAD); In silico analysis indicates that this missense variant does not alter protein structure/function; Has not been previously published as pathogenic or benign to our knowledge.